The following is an entry in ClinVar:

ClinVar aggregate classification (germline): Uncertain significance (1 of 4 stars; one submission).

Conditions:
Familial thoracic aortic aneurysm and aortic dissection (TAAD). Also called: Thoracic aortic aneurysms and dissections. Identifiers: Orphanet 91387, MedGen C4707243, MONDO:0019625.

Allele frequency attached by ClinVar (database versions not stated): ESP Exome Variant Server 0.00008.

Submission:

Ambry Genetics
Classification: Uncertain significance for Familial thoracic aortic aneurysm and aortic dissection. Last evaluated: 2023-08-25. Review status: criteria provided, single submitter. Criteria: Ambry Variant Classification Scheme 2023. Collection method: clinical testing. Allele origin: germline.
Comment: The p.P650S variant (also known as c.1948C>T), located in coding exon 12 of the MYLK gene, results from a C to T substitution at nucleotide position 1948. The proline at codon 650 is replaced by serine, an amino acid with similar properties. This amino acid position is conserved. In addition, the in silico prediction for this alteration is inconclusive. Since supporting evidence is limited at this time, the clinical significance of this alteration remains unclear.

NM_053025.4(MYLK):c.1948C>T (p.Pro650Ser)

Gene: MYLK (myosin light chain kinase; minus strand). Cytogenetic location: 3q21.1.
Variant type: single nucleotide variant.
Coding change: c.1948C>T on transcript NM_053025.4 (MANE Select); coding-DNA position 1948, C replaced by T.
Protein change: p.Pro650Ser; replaces proline 650 with serine.
Molecular consequence: missense variant.
Genome position (GRCh38, 1-based): chr3:123,708,890, G>A on the plus strand (C>T on the coding strand, the complement: MYLK is on the minus strand). VCF-style: chr3-123708890-G-A. GRCh37 (hg19) VCF-style: chr3-123427737-G-A.
Other names: c.1420C>T, p.Pro474Ser (NM_001321309.2); c.1741C>T, p.Pro581Ser (NM_053026.4, NM_053028.4); c.1948C>T, p.Pro650Ser (NM_053027.4); short protein forms P474S, P650S, P581S.
Identifiers: ClinVar variation 2587199 (VCV002587199.2), dbSNP rs151067308, ClinGen allele CA82929877.